The following is an entry in ClinVar:

NM_014014.5(SNRNP200):c.1533C>G (p.Asn511Lys)

Gene: SNRNP200 (small nuclear ribonucleoprotein U5 subunit 200; minus strand). Cytogenetic location: 2q11.2.
Variant type: single nucleotide variant.
Coding change: c.1533C>G on transcript NM_014014.5 (MANE Select); coding-DNA position 1533, C replaced by G.
Protein change: p.Asn511Lys; replaces asparagine 511 with lysine.
Molecular consequence: missense variant.
Genome position (GRCh38, 1-based): chr2:96,296,674, G>C on the plus strand (C>G on the coding strand, the complement: SNRNP200 is on the minus strand). VCF-style: chr2-96296674-G-C. GRCh37 (hg19) VCF-style: chr2-96962412-G-C.
Other names: short protein forms N511K.
Identifiers: ClinVar variation 2095690 (VCV002095690.4), dbSNP rs146146145, ClinGen allele CA347682352.

ClinVar aggregate classification (germline): Uncertain significance (1 of 4 stars; one submission).

Submission:

Labcorp Genetics (formerly Invitae), Labcorp
Classification: Uncertain significance. Last evaluated: 2023-07-17. Review status: criteria provided, single submitter. Criteria: Invitae Variant Classification Sherloc (09022015). Collection method: clinical testing. Allele origin: germline.
Comment: In summary, the available evidence is currently insufficient to determine the role of this variant in disease. Therefore, it has been classified as a Variant of Uncertain Significance. This variant disrupts the p.Asn511 amino acid residue in SNRNP200. Other variant(s) that disrupt this residue have been observed in individuals with SNRNP200-related conditions (PMID: 33247286; Invitae), which suggests that this may be a clinically significant amino acid residue. Advanced modeling of protein sequence and biophysical properties (such as structural, functional, and spatial information, amino acid conservation, physicochemical variation, residue mobility, and thermodynamic stability) performed at Invitae indicates that this missense variant is expected to disrupt SNRNP200 protein function. ClinVar contains an entry for this variant (Variation ID: 2095690). This missense change has been observed in individual(s) with autosomal dominant SNRNP200-related conditions (Invitae). This variant is not present in population databases (gnomAD no frequency). This sequence change replaces asparagine, which is neutral and polar, with lysine, which is basic and polar, at codon 511 of the SNRNP200 protein (p.Asn511Lys).

Literature cited by the submitters: PubMed 33247286.